The following is an entry in ClinVar:

ClinVar aggregate classification (germline): Uncertain significance (1 of 4 stars; one submission).

Conditions:
Malan overgrowth syndrome (MALNS). Also called: NFIX-Related Malan Syndrome; MALAN SYNDROME; Sotos syndrome 2. Identifiers: Orphanet 420179, MedGen C3553660, MONDO:0013885, OMIM 614753.
Marshall-Smith syndrome (MRSHSS). Identifiers: Orphanet 561, MedGen C0265211, MONDO:0011244, OMIM 602535.

gnomAD v4.1: 37 of 1,613,866 alleles (0.0023%); highest among the groups gnomAD compares: East Asian, 0.0045%; no homozygotes.

Submission:

Labcorp Genetics (formerly Invitae), Labcorp
Classification: Uncertain significance for Malan overgrowth syndrome; Marshall-Smith syndrome. Last evaluated: 2025-11-14. Review status: criteria provided, single submitter. Criteria: Invitae Variant Classification Sherloc (09022015). Collection method: clinical testing. Allele origin: germline.
Comment: This sequence change replaces alanine, which is neutral and non-polar, with valine, which is neutral and non-polar, at codon 254 of the NFIX protein (p.Ala254Val). This variant is present in population databases (rs775901244, gnomAD 0.007%). This variant has not been reported in the literature in individuals affected with NFIX-related conditions. Experimental studies and prediction algorithms are not available or were not evaluated, and the functional significance of this variant is currently unknown. In summary, the available evidence is currently insufficient to determine the role of this variant in disease. Therefore, it has been classified as a Variant of Uncertain Significance.

NM_001365902.3(NFIX):c.737C>T (p.Ala246Val)

Gene: NFIX (nuclear factor I X; plus strand). Cytogenetic location: 19p13.13.
Variant type: single nucleotide variant.
Coding change: c.737C>T on transcript NM_001365902.3 (MANE Select); coding-DNA position 737, C replaced by T.
Protein change: p.Ala246Val; replaces alanine 246 with valine.
Molecular consequence: missense variant.
Genome position (GRCh38, 1-based): chr19:13,073,945, C>T. VCF-style: chr19-13073945-C-T. GRCh37 (hg19) VCF-style: chr19-13184759-C-T.
Other names: c.761C>T, p.Ala254Val (NM_001271043.2); c.713C>T, p.Ala238Val (NM_001271044.3, NM_001378404.1, NM_001440616.1 and 1 more transcripts); c.737C>T, p.Ala246Val (NM_001365982.2, NM_002501.4); c.596C>T, p.Ala199Val (NM_001365983.2); c.734C>T, p.Ala245Val (NM_001365984.2, NM_001365985.2); c.785C>T, p.Ala262Val (NM_001378405.1); short protein forms A246V, A262V, A238V, A254V, A199V, A245V.
Identifiers: ClinVar variation 4783907 (VCV004783907.1).